The following is an entry in ClinVar:

NM_002017.5(FLI1):c.1132A>G (p.Met378Val)

Gene: FLI1 (Fli-1 proto-oncogene, ETS transcription factor; plus strand). Cytogenetic location: 11q24.3.
Variant type: single nucleotide variant.
Coding change: c.1132A>G on transcript NM_002017.5 (MANE Select); coding-DNA position 1132, A replaced by G.
Protein change: p.Met378Val; replaces methionine 378 with valine.
Molecular consequence: missense variant.
Genome position (GRCh38, 1-based): chr11:128,810,761, A>G. VCF-style: chr11-128810761-A-G. GRCh37 (hg19) VCF-style: chr11-128680656-A-G.
Other names: c.1033A>G, p.Met345Val (NM_001167681.3); c.934A>G, p.Met312Val (NM_001271010.2); c.553A>G, p.Met185Val (NM_001271012.2); short protein forms M378V, M185V, M312V, M345V.
Identifiers: ClinVar variation 2882075 (VCV002882075.3), dbSNP rs1213948992, ClinGen allele CA383239114.

ClinVar aggregate classification (germline): Uncertain significance (1 of 4 stars; one submission).

Allele frequency attached by ClinVar (database versions not stated): gnomAD exomes below 0.00001; TOPMed 0.00001.
gnomAD v4.1: 4 of 1,614,094 alleles (0.00025%); highest among the groups gnomAD compares: Admixed American, 0.0017%; no homozygotes.

Submission:

Labcorp Genetics (formerly Invitae), Labcorp
Classification: Uncertain significance. Last evaluated: 2023-02-22. Review status: criteria provided, single submitter. Criteria: Invitae Variant Classification Sherloc (09022015). Collection method: clinical testing. Allele origin: germline.
Comment: This variant is present in population databases (no rsID available, gnomAD 0.003%). In summary, the available evidence is currently insufficient to determine the role of this variant in disease. Therefore, it has been classified as a Variant of Uncertain Significance. Advanced modeling of protein sequence and biophysical properties (such as structural, functional, and spatial information, amino acid conservation, physicochemical variation, residue mobility, and thermodynamic stability) performed at Invitae indicates that this missense variant is not expected to disrupt FLI1 protein function. This variant has not been reported in the literature in individuals affected with FLI1-related conditions. This sequence change replaces methionine, which is neutral and non-polar, with valine, which is neutral and non-polar, at codon 378 of the FLI1 protein (p.Met378Val).